The following is an entry in ClinVar:

NM_001905.4(CTPS1):c.880C>T (p.Arg294Cys)

Gene: CTPS1 (CTP synthase 1; plus strand). Cytogenetic location: 1p34.2.
Variant type: single nucleotide variant.
Coding change: c.880C>T on transcript NM_001905.4 (MANE Select); coding-DNA position 880, C replaced by T.
Protein change: p.Arg294Cys; replaces arginine 294 with cysteine.
Molecular consequence: missense variant. On other transcripts: non-coding transcript variant (1).
Genome position (GRCh38, 1-based): chr1:40,997,401, C>T. VCF-style: chr1-40997401-C-T. GRCh37 (hg19) VCF-style: chr1-41463073-C-T.
Other names: c.412C>T, p.Arg138Cys (NM_001301237.2); short protein forms R294C, R138C.
Identifiers: ClinVar variation 541952 (VCV000541952.6), dbSNP rs372743741, ClinGen allele CA795376.

ClinVar aggregate classification (germline): Uncertain significance (1 of 4 stars; one submission).

Conditions:
Combined immunodeficiency due to CTPS1 deficiency. Also called: Severe combined immunodeficiency due to CTPS1 deficiency; Immunodeficiency 24. Identifiers: Orphanet 420573, MedGen C4014617, MONDO:0014391, OMIM 615897.

Allele frequency attached by ClinVar (database versions not stated): ExAC 0.00002; gnomAD 0.00002 and 0.00003; gnomAD exomes 0.00002; TOPMed 0.00002; ESP Exome Variant Server 0.00008.
gnomAD v4.1: 24 of 1,613,166 alleles (0.0015%); highest among the groups gnomAD compares: African/African-American, 0.0093%; no homozygotes.

Submission:

Labcorp Genetics (formerly Invitae), Labcorp
Classification: Uncertain significance for Combined immunodeficiency due to CTPS1 deficiency. Last evaluated: 2021-08-30. Review status: criteria provided, single submitter. Criteria: Invitae Variant Classification Sherloc (09022015). Collection method: clinical testing. Allele origin: germline.
Comment: This sequence change replaces arginine with cysteine at codon 294 of the CTPS1 protein (p.Arg294Cys). The arginine residue is moderately conserved and there is a large physicochemical difference between arginine and cysteine. This variant is present in population databases (rs372743741, ExAC 0.01%). This variant has not been reported in the literature in individuals affected with CTPS1-related conditions. Algorithms developed to predict the effect of missense changes on protein structure and function (SIFT, PolyPhen-2, Align-GVGD) all suggest that this variant is likely to be tolerated. In summary, the available evidence is currently insufficient to determine the role of this variant in disease. Therefore, it has been classified as a Variant of Uncertain Significance.